The following is an entry in ClinVar:

NM_002485.5(NBN):c.1496C>A (p.Ser499Ter)

Gene: NBN (nibrin; minus strand). Cytogenetic location: 8q21.3.
Variant type: single nucleotide variant.
Coding change: c.1496C>A on transcript NM_002485.5 (MANE Select); coding-DNA position 1496, C replaced by A.
Protein change: p.Ser499Ter; replaces serine 499 with a stop codon.
Molecular consequence: nonsense.
Genome position (GRCh38, 1-based): chr8:89,953,593, G>T on the plus strand (C>A on the coding strand, the complement: NBN is on the minus strand). VCF-style: chr8-89953593-G-T. GRCh37 (hg19) VCF-style: chr8-90965821-G-T.
Other names: c.1250C>A, p.Ser417Ter (NM_001024688.3); short protein forms S417*, S499*.
Identifiers: ClinVar variation 1073911 (VCV001073911.8), dbSNP rs772411713, ClinGen allele CA371655739.

ClinVar aggregate classification (germline): Pathogenic (1 of 4 stars; one submission).

Conditions:
Microcephaly, normal intelligence and immunodeficiency (NBS). Also called: SEEMANOVA SYNDROME II; Immunodeficiency, microcephaly with normal intelligence; IMMUNODEFICIENCY, MICROCEPHALY, AND CHROMOSOMAL INSTABILITY; Ataxia telangiectasia variant V1; BERLIN BREAKAGE SYNDROME; Nijmegen breakage syndrome. Identifiers: Orphanet 647, MedGen C0398791, MONDO:0009623, OMIM 251260.

Submission:

Labcorp Genetics (formerly Invitae), Labcorp
Classification: Pathogenic for Microcephaly, normal intelligence and immunodeficiency. Last evaluated: 2022-07-12. Review status: criteria provided, single submitter. Criteria: Invitae Variant Classification Sherloc (09022015). Collection method: clinical testing. Allele origin: germline.
Comment: For these reasons, this variant has been classified as Pathogenic. ClinVar contains an entry for this variant (Variation ID: 1073911). This variant has not been reported in the literature in individuals affected with NBN-related conditions. This variant is not present in population databases (gnomAD no frequency). This sequence change creates a premature translational stop signal (p.Ser499*) in the NBN gene. It is expected to result in an absent or disrupted protein product. Loss-of-function variants in NBN are known to be pathogenic (PMID: 9590180, 16415040).

Literature cited by the submitters: PubMed 9590180; PubMed 16415040.